The following is an entry in ClinVar:

NM_031844.3(HNRNPU):c.2036del (p.Pro679fs)

Gene: HNRNPU (heterogeneous nuclear ribonucleoprotein U; minus strand). Cytogenetic location: 1q44.
Variant type: Deletion.
Coding change: c.2036del on transcript NM_031844.3 (MANE Select); coding-DNA position 2036, one base deleted (C; older notation c.2036delC).
Protein change: p.Pro679fs; shifts the reading frame from proline 679.
Molecular consequence: frameshift variant.
Genome position (GRCh38, 1-based): chr1:244,856,035, G deleted on the plus strand (C on the coding strand, the reverse complement: HNRNPU is on the minus strand); the first of 2 consecutive G bases (chr1:244,856,035-244,856,036); deleting either gives the same sequence. VCF-style (leftmost placement, unchanged base first): chr1-244856034-TG-T. GRCh37 (hg19) VCF-style: chr1-245019336-TG-T.
Other names: c.1979del, p.Pro660fs (NM_004501.3); short protein forms P660fs, P679fs.
Identifiers: ClinVar variation 5018587 (VCV005018587.1).

ClinVar aggregate classification (germline): Uncertain significance (1 of 4 stars; one submission).

Conditions:
Developmental and epileptic encephalopathy, 54. Also called: Epileptic encephalopathy, early infantile, 54; HNRNPU-Related Neurodevelopmental Disorder. Identifiers: MedGen C4479319, MONDO:0033363, OMIM 617391.

Submission:

Juno Genomics, Hangzhou Juno Genomics, Inc
Classification: Uncertain significance for Developmental and epileptic encephalopathy, 54. Review status: criteria provided, single submitter. Criteria: ACMG Guidelines, 2015. Collection method: clinical testing. Allele origin: germline. Affected: yes.
Comment: Absent from controls (or at extremely low frequency if recessive) in Genome Aggregation Database.;Null variant in a gene where loss of function (LOF) is a known mechanism of disease.;Assumed de novo, but without confirmation of paternity and maternity.